The following is an entry in ClinVar:

ClinVar aggregate classification (germline): Benign. Review status: criteria provided, multiple submitters, no conflicts (2 of 4 stars). 3 submissions from 3 submitters: Benign (3). Last evaluated 2025-04-01.

Allele frequency attached by ClinVar (database versions not stated): 1000 Genomes Project 30x 0.00281; 1000 Genomes Project 0.00300; gnomAD 0.00699 and 0.00726; gnomAD exomes 0.00716 and 0.00962; TOPMed 0.00722; ExAC 0.00798; ESP Exome Variant Server 0.00854.
gnomAD v4.1: 14,886 of 1,605,500 alleles (0.93%); highest among the groups gnomAD compares: Non-Finnish European, 1.1%; 103 homozygotes.

Submissions (3):

CeGaT Center for Human Genetics Tuebingen
Classification: Benign. Last evaluated: 2025-04-01. Review status: criteria provided, single submitter. Criteria: CeGaT Center For Human Genetics Tuebingen Variant Classification Criteria Version 2. Collection method: clinical testing. Allele origin: germline. Affected: yes. Observed: 1 variant allele.
Comment: EVI5: BP4, BP7, BS1, BS2

Labcorp Genetics (formerly Invitae), Labcorp
Classification: Benign. Last evaluated: 2018-03-29. Review status: criteria provided, single submitter. Criteria: Invitae Variant Classification Sherloc (09022015). Collection method: clinical testing. Allele origin: germline.

Breakthrough Genomics
Classification: Benign. Review status: criteria provided, single submitter. Criteria: ACMG Guidelines, 2015. Collection method: not provided. Allele origin: germline. Inheritance: Unknown mechanism. Affected: yes.

NM_001350197.2(EVI5):c.1872G>A (p.Val624=)

Gene: EVI5 (ecotropic viral integration site 5; minus strand). Cytogenetic location: 1p22.1.
Variant type: single nucleotide variant.
Coding change: c.1872G>A on transcript NM_001350197.2 (MANE Select); coding-DNA position 1872, G replaced by A.
Protein change: p.Val624=; no amino-acid change (valine 624 retained).
Molecular consequence: synonymous variant.
Genome position (GRCh38, 1-based): chr1:92,607,683, C>T on the plus strand (G>A on the coding strand, the complement: EVI5 is on the minus strand). VCF-style: chr1-92607683-C-T. GRCh37 (hg19) VCF-style: chr1-93073240-C-T.
Other names: c.1857G>A, p.Val619= (NM_001308248.2); c.1872G>A, p.Val624= (NM_001350198.2); c.1848G>A, p.Val616= (NM_001377210.1); c.1830G>A, p.Val610= (NM_001377211.1); c.1725G>A, p.Val575= (NM_001377212.1); c.1953G>A, p.Val651= (NM_001377213.1); c.1824G>A, p.Val608= (NM_005665.6).
Identifiers: ClinVar variation 775568 (VCV000775568.11), dbSNP rs141343784, ClinGen allele CA951694.
Genomic context (GRCh38, chr1:92,607,683, plus strand): 5'-TTGAGTAAGGAGTCCTTTGTTCTGTGCAGAAAGATACTGCACTTTCTCCTGTAGGCTAAT[C>T]ACCTCTTGTTCTGCTCTTCGAAGATGGTTACTATTGATCTGGTTCTAATAATCAGAAATA-3'
Protein context (NP_001337126.1, residues 614-634): SNHLRRAEQE[Val624=]ISLQEKVQYL